The following is an entry in ClinVar:

NM_003626.5(PPFIA1):c.2403A>G (p.Lys801=)

Gene: PPFIA1 (PPFI scaffold protein A1; plus strand). Cytogenetic location: 11q13.3.
Variant type: single nucleotide variant.
Coding change: c.2403A>G on transcript NM_003626.5 (MANE Select); coding-DNA position 2403, A replaced by G.
Protein change: p.Lys801=; no amino-acid change (lysine 801 retained).
Molecular consequence: synonymous variant. On other transcripts: non-coding transcript variant (1).
Genome position (GRCh38, 1-based): chr11:70,355,726, A>G. VCF-style: chr11-70355726-A-G. GRCh37 (hg19) VCF-style: chr11-70201832-A-G.
Other names: c.2508A>G, p.Lys836= (NM_001378006.1); c.2403A>G, p.Lys801= (NM_177423.3).
Identifiers: ClinVar variation 2642063 (VCV002642063.24), dbSNP rs1325642898, ClinGen allele CA475244176.
Genomic context (GRCh38, chr11:70,355,726, plus strand): 5'-GAGCAACCCCAGCAGTAGCAACAGTAGCCAGGACTCGCTCCACAAAGCCCCAAAGAAGAA[A>G]GGCATTAAGTCCTCCATTGGCCGCTTGTTTGGCAAGAAAGAAAAGGGCCGACCTGGACAA-3'
Protein context (NP_003617.1, residues 791-811): QDSLHKAPKK[Lys801=]GIKSSIGRLF

ClinVar aggregate classification (germline): Likely benign (1 of 4 stars; one submission).

Submission:

CeGaT Center for Human Genetics Tuebingen
Classification: Likely benign. Last evaluated: 2026-08-01. Review status: criteria provided, single submitter. Criteria: CeGaT Center For Human Genetics Tuebingen Variant Classification Criteria Version 2. Collection method: clinical testing. Allele origin: germline. Affected: yes. Observed: 7 variant alleles.
Comment: PPFIA1: BP4, BP7